The following is an entry in ClinVar:

ClinVar aggregate classification (germline): Uncertain significance. Review status: criteria provided, multiple submitters, no conflicts (2 of 4 stars). 2 submissions from 2 submitters: Uncertain significance (2). Last evaluated 2024-01-03.

Conditions:
Epidermolysis bullosa simplex 5C, with pyloric atresia (EBS5C). Also called: PLEC-Related Epidermolysis Bullosa with Pyloric Atresia; Epidermolysis bullosa simplex with pyloric atresia; PLEC1-Related Epidermolysis Bullosa with Pyloric Atresia. Identifiers: Orphanet 158684, MedGen C2677349, MONDO:0012807, OMIM 612138.
Epidermolysis bullosa simplex with nail dystrophy (EBS5D). Identifiers: MedGen C4225309, MONDO:0014661, OMIM 616487.
Epidermolysis bullosa simplex, Ogna type (EBS5A). Also called: Pidermolysis bullosa simplex 5A, Ogna type; EPIDERMOLYSIS BULLOSA SIMPLEX 5A, OGNA TYPE. Identifiers: Orphanet 79401, MedGen C0432317, MONDO:0007555, OMIM 131950.
Autosomal recessive limb-girdle muscular dystrophy type 2Q (LGMDR17). Also called: MUSCULAR DYSTROPHY, LIMB-GIRDLE, AUTOSOMAL RECESSIVE 17. Identifiers: Orphanet 254361, MedGen C3150989, MONDO:0013390, OMIM 613723.
Epidermolysis bullosa simplex 5B, with muscular dystrophy (EBS5B). Also called: EPIDERMOLYSIS BULLOSA SIMPLEX AND LIMB-GIRDLE MUSCULAR DYSTROPHY; Epidermolysis bullosa simplex with muscular dystrophy. Identifiers: Orphanet 257, MedGen C2931072, MONDO:0009181, OMIM 226670.

Allele frequency attached by ClinVar (database versions not stated): gnomAD exomes 0.00001; TOPMed 0.00002.
gnomAD v4.1: 23 of 1,579,250 alleles (0.0015%); highest among the groups gnomAD compares: Middle Eastern, 0.019%; no homozygotes.

Submissions (2):

Blueprint Genetics
Classification: Uncertain significance. Last evaluated: 2024-01-03. Review status: criteria provided, single submitter. Criteria: ACMG Guidelines, 2015. Collection method: clinical testing. Allele origin: germline.

Labcorp Genetics (formerly Invitae), Labcorp
Classification: Uncertain significance for Autosomal recessive limb-girdle muscular dystrophy type 2Q; Epidermolysis bullosa simplex, Ogna type; Epidermolysis bullosa simplex with nail dystrophy; Epidermolysis bullosa simplex 5C, with pyloric atresia; Epidermolysis bullosa simplex 5B, with muscular dystrophy. Last evaluated: 2022-08-07. Review status: criteria provided, single submitter. Criteria: Invitae Variant Classification Sherloc (09022015). Collection method: clinical testing. Allele origin: germline.
Comment: This sequence change replaces arginine, which is basic and polar, with histidine, which is basic and polar, at codon 4530 of the PLEC protein (p.Arg4530His). This variant is present in population databases (no rsID available, gnomAD 0.007%). This missense change has been observed in individual(s) with clinical features of PLEC-related conditions (PMID: 31066050). This variant is also known as c.13919G>A. Algorithms developed to predict the effect of missense changes on protein structure and function are either unavailable or do not agree on the potential impact of this missense change (SIFT: "Deleterious"; PolyPhen-2: "Not Available"; Align-GVGD: "Class C25"). In summary, the available evidence is currently insufficient to determine the role of this variant in disease. Therefore, it has been classified as a Variant of Uncertain Significance.

Literature cited by the submitters: PubMed 31066050 (cited by Labcorp Genetics (formerly Invitae), Labcorp).

NM_201384.3(PLEC):c.13508G>A (p.Arg4503His)

Gene: PLEC (plectin; minus strand). Cytogenetic location: 8q24.3.
Variant type: single nucleotide variant.
Coding change: c.13508G>A on transcript NM_201384.3 (MANE Select); coding-DNA position 13508, G replaced by A.
Protein change: p.Arg4503His; replaces arginine 4503 with histidine.
Molecular consequence: missense variant.
Genome position (GRCh38, 1-based): chr8:143,916,313, C>T on the plus strand (G>A on the coding strand, the complement: PLEC is on the minus strand). VCF-style: chr8-143916313-C-T. GRCh37 (hg19) VCF-style: chr8-144990481-C-T.
Other names: c.13589G>A, p.Arg4530His (NM_000445.5); c.10208G>A, p.Arg3403His (NM_001410941.1); c.13466G>A, p.Arg4489His (NM_201378.4); c.13442G>A, p.Arg4481His (NM_201379.3); c.13919G>A, p.Arg4640His (NM_201380.4); c.13412G>A, p.Arg4471His (NM_201381.3); c.13508G>A, p.Arg4503His (NM_201382.4); c.13520G>A, p.Arg4507His (NM_201383.3); short protein forms R4489H, R4507H, R4640H, R4481H, R4530H, R4471H, R3403H, R4503H.
Identifiers: ClinVar variation 2046637 (VCV002046637.5), dbSNP rs1211970755, ClinGen allele CA372474102.